The following is an entry in ClinVar:

NM_000168.6(GLI3):c.2372C>T (p.Pro791Leu)

Gene: GLI3 (GLI family zinc finger 3; minus strand). Cytogenetic location: 7p14.1.
Variant type: single nucleotide variant.
Coding change: c.2372C>T on transcript NM_000168.6 (MANE Select); coding-DNA position 2372, C replaced by T.
Protein change: p.Pro791Leu; replaces proline 791 with leucine.
Molecular consequence: missense variant.
Genome position (GRCh38, 1-based): chr7:41,967,655, G>A on the plus strand (C>T on the coding strand, the complement: GLI3 is on the minus strand). VCF-style: chr7-41967655-G-A. GRCh37 (hg19) VCF-style: chr7-42007253-G-A.
Other names: short protein forms P791L.
Identifiers: ClinVar variation 1314495 (VCV001314495.3), dbSNP rs201419477, ClinGen allele CA4230633.

ClinVar aggregate classification (germline): Conflicting classifications of pathogenicity. Review status: criteria provided, conflicting classifications (1 of 4 stars). 2 submissions from 2 submitters: Uncertain significance (1); Benign (1). Last evaluated 2025-04-04.

Conditions:
Pallister-Hall syndrome (PHS). Also called: GLI3-Related Pallister-Hall Syndrome; HYPOTHALAMIC HAMARTOBLASTOMA, HYPOPITUITARISM, IMPERFORATE ANUS, AND POSTAXIAL POLYDACTYLY. Identifiers: Orphanet 672, MedGen C0265220, MONDO:0007804, OMIM 146510.
Greig cephalopolysyndactyly syndrome (GCPS). Also called: Greig syndrome; GLI3-Related Greig Cephalopolysyndactyly Syndrome; POLYSYNDACTYLY WITH PECULIAR SKULL SHAPE. Identifiers: Orphanet 380, MedGen C0265306, MONDO:0008287, OMIM 175700.

Allele frequency attached by ClinVar (database versions not stated): ExAC 0.00002; gnomAD exomes 0.00002 and 0.00004; TOPMed 0.00002; gnomAD 0.00003.
gnomAD v4.1: 26 of 1,613,944 alleles (0.0016%); highest among the groups gnomAD compares: South Asian, 0.0077%; no homozygotes.

Submissions (2):

Labcorp Genetics (formerly Invitae), Labcorp
Classification: Benign for Pallister-Hall syndrome; Greig cephalopolysyndactyly syndrome. Last evaluated: 2025-04-04. Review status: criteria provided, single submitter. Criteria: Invitae Variant Classification Sherloc (09022015). Collection method: clinical testing. Allele origin: germline.

GeneDx
Classification: Uncertain significance. Last evaluated: 2021-04-01. Review status: criteria provided, single submitter. Criteria: GeneDx Variant Classification Process June 2021. Collection method: clinical testing. Allele origin: germline. Affected: yes.
Comment: In silico analysis supports that this missense variant has a deleterious effect on protein structure/function; Has not been previously published as pathogenic or benign to our knowledge